The following is an entry in ClinVar:

ClinVar aggregate classification (germline): Uncertain significance (1 of 4 stars; one submission).

Allele frequency attached by ClinVar (database versions not stated): gnomAD exomes 0.00004.
gnomAD v4.1: 53 of 1,614,200 alleles (0.0033%); highest among the groups gnomAD compares: Non-Finnish European, 0.0045%; no homozygotes.

Submission:

Labcorp Genetics (formerly Invitae), Labcorp
Classification: Uncertain significance. Last evaluated: 2025-09-27. Review status: criteria provided, single submitter. Criteria: Invitae Variant Classification Sherloc (09022015). Collection method: clinical testing. Allele origin: germline.
Comment: This sequence change replaces methionine, which is neutral and non-polar, with leucine, which is neutral and non-polar, at codon 616 of the C1S protein (p.Met616Leu). This variant is present in population databases (no rsID available, gnomAD 0.0009%). This variant has not been reported in the literature in individuals affected with C1S-related conditions. ClinVar contains an entry for this variant (Variation ID: 1933288). Invitae Evidence Modeling of protein sequence and biophysical properties (such as structural, functional, and spatial information, amino acid conservation, physicochemical variation, residue mobility, and thermodynamic stability) indicates that this missense variant is expected to disrupt C1S protein function with a positive predictive value of 80%. In summary, the available evidence is currently insufficient to determine the role of this variant in disease. Therefore, it has been classified as a Variant of Uncertain Significance.

NM_001734.5(C1S):c.1846A>T (p.Met616Leu)

Gene: C1S (complement C1s; plus strand). Cytogenetic location: 12p13.31.
Variant type: single nucleotide variant.
Coding change: c.1846A>T on transcript NM_001734.5 (MANE Select); coding-DNA position 1846, A replaced by T.
Protein change: p.Met616Leu; replaces methionine 616 with leucine.
Molecular consequence: missense variant.
Genome position (GRCh38, 1-based): chr12:7,070,430, A>T. VCF-style: chr12-7070430-A-T. GRCh37 (hg19) VCF-style: chr12-7177734-A-T.
Other names: c.1345A>T, p.Met449Leu (NM_001346850.2); c.1846A>T, p.Met616Leu (NM_201442.4); short protein forms M449L, M616L.
Identifiers: ClinVar variation 1933288 (VCV001933288.5), dbSNP rs1555163077, ClinGen allele CA383707426.